The following is an entry in ClinVar:

NM_005633.4(SOS1):c.2499G>A (p.Leu833=)

Gene: SOS1 (SOS Ras/Rac guanine nucleotide exchange factor 1; minus strand). Cytogenetic location: 2p22.1.
Variant type: single nucleotide variant.
Coding change: c.2499G>A on transcript NM_005633.4 (MANE Select); coding-DNA position 2499, G replaced by A.
Protein change: p.Leu833=; no amino-acid change (leucine 833 retained).
Molecular consequence: synonymous variant.
Genome position (GRCh38, 1-based): chr2:39,010,595, C>T on the plus strand (G>A on the coding strand, the complement: SOS1 is on the minus strand). VCF-style: chr2-39010595-C-T. GRCh37 (hg19) VCF-style: chr2-39237736-C-T.
Other names: c.2478G>A, p.Leu826= (NM_001382394.1); c.2499G>A, p.Leu833= (NM_001382395.1).
Identifiers: ClinVar variation 2672810 (VCV002672810.23), dbSNP rs1669435129, ClinGen allele CA425729886.

ClinVar aggregate classification (germline): Likely benign (1 of 4 stars; one submission).

Allele frequency attached by ClinVar (database versions not stated): gnomAD exomes below 0.00001.
gnomAD v4.1: 6 of 1,610,836 alleles (0.00037%); highest among the groups gnomAD compares: Non-Finnish European, 0.00051%; no homozygotes.

Submission:

CeGaT Center for Human Genetics Tuebingen
Classification: Likely benign. Last evaluated: 2023-11-01. Review status: criteria provided, single submitter. Criteria: CeGaT Center For Human Genetics Tuebingen Variant Classification Criteria Version 2. Collection method: clinical testing. Allele origin: germline. Affected: yes. Observed: 1 variant allele.
Comment: SOS1: PM2:Supporting, BP4, BP7